The following is an entry in ClinVar:

ClinVar aggregate classification (germline): Pathogenic (1 of 4 stars; one submission).

Conditions:
Glycine encephalopathy. Also called: Non-ketotic hyperglycinemia; Nonketotic hyperglycinemia. Identifiers: Orphanet 407, MedGen C0751748, MONDO:0011612, HP:0008288.

Submission:

Labcorp Genetics (formerly Invitae), Labcorp
Classification: Pathogenic for Glycine encephalopathy. Last evaluated: 2021-05-05. Review status: criteria provided, single submitter. Criteria: Invitae Variant Classification Sherloc (09022015). Collection method: clinical testing. Allele origin: germline.
Comment: This sequence change creates a premature translational stop signal (p.Leu120*) in the GLDC gene. It is expected to result in an absent or disrupted protein product. Loss-of-function variants in GLDC are known to be pathogenic (PMID: 16601880). This variant is not present in population databases (ExAC no frequency). This variant has not been reported in the literature in individuals with GLDC-related conditions. For these reasons, this variant has been classified as Pathogenic.

Literature cited by the submitters: PubMed 16601880.

NM_000170.3(GLDC):c.357_358insTAAACT (p.Leu120Ter)

Gene: GLDC (glycine decarboxylase; minus strand). Cytogenetic location: 9p24.1.
Variant type: Insertion.
Coding change: c.357_358insTAAACT on transcript NM_000170.3 (MANE Select); coding-DNA positions 357 to 358, TAAACT inserted.
Protein change: p.Leu120Ter; replaces leucine 120 with a stop codon.
Molecular consequence: nonsense.
Genome position: GRCh38 VCF-style: chr9-6620296-G-GAGTTTA. GRCh37 (hg19) VCF-style: chr9-6620296-G-GAGTTTA.
Other names: short protein forms L120*.
Identifiers: ClinVar variation 1451108 (VCV001451108.6), dbSNP rs2129949245, ClinGen allele CA2573144500.